The following is an entry in ClinVar:

NM_000478.6(ALPL):c.194C>A (p.Ser65Tyr)

Gene: ALPL (alkaline phosphatase, biomineralization associated; plus strand). Cytogenetic location: 1p36.12.
Variant type: single nucleotide variant.
Coding change: c.194C>A on transcript NM_000478.6 (MANE Select); coding-DNA position 194, C replaced by A.
Protein change: p.Ser65Tyr; replaces serine 65 with tyrosine.
Molecular consequence: missense variant. On other transcripts: intron variant (1).
Genome position (GRCh38, 1-based): chr1:21,561,109, C>A. VCF-style: chr1-21561109-C-A. GRCh37 (hg19) VCF-style: chr1-21887602-C-A.
Other names: c.29C>A, p.Ser10Tyr (NM_001127501.4); c.194C>A, p.Ser65Tyr (NM_001369803.2, NM_001369804.2, NM_001369805.2); c.66+364C>A (NM_001177520.3); short protein forms S10Y, S65Y.
Identifiers: ClinVar variation 1334793 (VCV001334793.4), dbSNP rs1644478359, ClinGen allele CA338877872.

ClinVar aggregate classification (germline): Likely pathogenic. Review status: criteria provided, multiple submitters, no conflicts (2 of 4 stars). 2 submissions from 2 submitters: Likely pathogenic (2). Last evaluated 2026-09-01.

Conditions:
Hypophosphatasia. Also called: Phosphoethanol-aminuria. Identifiers: Orphanet 436, MedGen C0020630, MeSH D007014, MONDO:0018570.

Submissions (2):

Genomenon, Inc
Classification: Likely pathogenic for Hypophosphatasia. Last evaluated: 2026-09-01. Review status: criteria provided, single submitter. Criteria: Genomenon Sequence Variant Interpretation Standards - Updated. Collection method: curation. Allele origin: germline. Affected: yes.
Comment: ALPL p.Ser65Tyr (c.194C>A) is a missense variant that changes the amino acid at codon 65 from Serine to Tyrosine. This variant has been observed in at least one proband affected with an ALPL-related disorder (PMID:28663156). At least one functional study has demonstrated a substantial alteration in protein function relative to the wild-type (PMID:40386289). It is absent or not present at a significant frequency in gnomAD. In silico models predict that this variant is possibly or probably damaging. In conclusion, we classify ALPL p.Ser65Tyr (c.194C>A) as a likely pathogenic variant.

JKU Lab, Dept of Paediatrics, Johannes Kepler University
Classification: Likely pathogenic for Hypophosphatasia. Last evaluated: 2021-12-16. Review status: criteria provided, single submitter. Criteria: ACMG Guidelines, 2015. Collection method: clinical testing. Allele origin: germline. Affected: yes. Observed: 1 homozygote.
Comment: This variant is absent from large population studies. Functional studies performed at the JKU Hoegler lab showed reduced ALPL activity. ACMG Criteria used for classification: PS3_mod, PM2_sup, PM3_sup, PP2_sup, PP3_sup, PP4_mod.

Literature cited by the submitters: PubMed 28663156 (cited by Genomenon, Inc and JKU Lab, Dept of Paediatrics, Johannes Kepler University); PubMed 40386289 (cited by Genomenon, Inc).